The following is an entry in ClinVar:

ClinVar aggregate classification (germline): Uncertain significance (1 of 4 stars; one submission).

Conditions:
46,XY sex reversal 2. Also called: NR0B1-Related 46,XY CGD; NR0B1-related 46,XY complete gonadal dysgenesis; Dosage-sensitive sex reversal; 46,XY SEX REVERSAL, DAX1-RELATED; 46XY sex reversal 2, dosage-sensitive. Identifiers: MedGen C1848296, MONDO:0010226, OMIM 300018.
Congenital adrenal hypoplasia, X-linked (AHC). Also called: Isolated X-Linked Adrenal Hypoplasia Congenita; X-linked AHC; X-Linked Adrenal Hypoplasia Congenita; ADRENAL HYPOPLASIA, CONGENITAL, WITH HYPOGONADOTROPIC HYPOGONADISM. Identifiers: Orphanet 95702, MedGen C0342482, MONDO:0010264, OMIM 300200. Disease mechanism: loss of function.

Submission:

Labcorp Genetics (formerly Invitae), Labcorp
Classification: Uncertain significance for Congenital adrenal hypoplasia, X-linked; 46,XY sex reversal 2. Last evaluated: 2023-10-03. Review status: criteria provided, single submitter. Criteria: Invitae Variant Classification Sherloc (09022015). Collection method: clinical testing. Allele origin: germline.
Comment: This sequence change replaces cysteine, which is neutral and slightly polar, with tyrosine, which is neutral and polar, at codon 132 of the NR0B1 protein (p.Cys132Tyr). This variant is not present in population databases (gnomAD no frequency). This variant has not been reported in the literature in individuals affected with NR0B1-related conditions. Advanced modeling of protein sequence and biophysical properties (such as structural, functional, and spatial information, amino acid conservation, physicochemical variation, residue mobility, and thermodynamic stability) performed at Invitae indicates that this missense variant is expected to disrupt NR0B1 protein function. In summary, the available evidence is currently insufficient to determine the role of this variant in disease. Therefore, it has been classified as a Variant of Uncertain Significance.

NM_000475.5(NR0B1):c.395G>A (p.Cys132Tyr)

Gene: NR0B1 (nuclear receptor subfamily 0 group B member 1; minus strand). Cytogenetic location: Xp21.2.
Variant type: single nucleotide variant.
Coding change: c.395G>A on transcript NM_000475.5 (MANE Select); coding-DNA position 395, G replaced by A.
Protein change: p.Cys132Tyr; replaces cysteine 132 with tyrosine.
Molecular consequence: missense variant.
Genome position (GRCh38, 1-based): chrX:30,308,969, C>T on the plus strand (G>A on the coding strand, the complement: NR0B1 is on the minus strand). VCF-style: chrX-30308969-C-T. GRCh37 (hg19) VCF-style: chrX-30327086-C-T.
Other names: short protein forms C132Y.
Identifiers: ClinVar variation 2945039 (VCV002945039.3), dbSNP rs2519051758, ClinGen allele CA412548861.